The following is an entry in ClinVar:

ClinVar aggregate classification (germline): Uncertain significance (1 of 4 stars; one submission).

Conditions:
Hyperkalemic periodic paralysis. Also called: Familial hyperkalemic periodic paralysis; Gamstorp disease. Identifiers: Orphanet 682, MedGen C0238357, MONDO:0008224, OMIM 170500, HP:0007215.

Allele frequency attached by ClinVar (database versions not stated): gnomAD exomes below 0.00001.

Submission:

Labcorp Genetics (formerly Invitae), Labcorp
Classification: Uncertain significance for Hyperkalemic periodic paralysis. Last evaluated: 2021-11-28. Review status: criteria provided, single submitter. Criteria: Invitae Variant Classification Sherloc (09022015). Collection method: clinical testing. Allele origin: germline.
Comment: This sequence change replaces glycine, which is neutral and non-polar, with serine, which is neutral and polar, at codon 789 of the SCN4A protein (p.Gly789Ser). The frequency data for this variant in the population databases is considered unreliable, as metrics indicate poor data quality at this position in the gnomAD database. This variant has not been reported in the literature in individuals affected with SCN4A-related conditions. Algorithms developed to predict the effect of missense changes on protein structure and function (SIFT, PolyPhen-2, Align-GVGD) all suggest that this variant is likely to be disruptive. Algorithms developed to predict the effect of sequence changes on RNA splicing suggest that this variant may create or strengthen a splice site. In summary, the available evidence is currently insufficient to determine the role of this variant in disease. Therefore, it has been classified as a Variant of Uncertain Significance.

NM_000334.4(SCN4A):c.2365G>A (p.Gly789Ser)

Genes: SCN4A (sodium voltage-gated channel alpha subunit 4; minus strand), GH-LCR (growth hormone locus control region; plus strand). Cytogenetic location: 17q23.3.
Variant type: single nucleotide variant.
Coding change: c.2365G>A on transcript NM_000334.4 (MANE Select); coding-DNA position 2365, G replaced by A.
Protein change: p.Gly789Ser; replaces glycine 789 with serine.
Molecular consequence: missense variant.
Genome position (GRCh38, 1-based): chr17:63,957,173, C>T on the plus strand (G>A on the coding strand, the complement: SCN4A is on the minus strand). VCF-style: chr17-63957173-C-T. GRCh37 (hg19) VCF-style: chr17-62034533-C-T.
Other names: short protein forms G789S.
Identifiers: ClinVar variation 1468584 (VCV001468584.1), dbSNP rs1172083418, ClinGen allele CA400628834.